The following is an entry in ClinVar:

ClinVar aggregate classification (germline): Uncertain significance (1 of 4 stars; one submission).

Allele frequency attached by ClinVar (database versions not stated): gnomAD exomes below 0.00001 and 0.00001.
gnomAD v4.1: 3 of 1,613,874 alleles (0.00019%); highest among the groups gnomAD compares: South Asian, 0.0033%; no homozygotes.

Submission:

Labcorp Genetics (formerly Invitae), Labcorp
Classification: Uncertain significance. Last evaluated: 2022-11-08. Review status: criteria provided, single submitter. Criteria: Invitae Variant Classification Sherloc (09022015). Collection method: clinical testing. Allele origin: germline.
Comment: In summary, the available evidence is currently insufficient to determine the role of this variant in disease. Therefore, it has been classified as a Variant of Uncertain Significance. Algorithms developed to predict the effect of missense changes on protein structure and function are either unavailable or do not agree on the potential impact of this missense change (SIFT: "Deleterious"; PolyPhen-2: "Possibly Damaging"; Align-GVGD: "Class C0"). ClinVar contains an entry for this variant (Variation ID: 1014485). This variant has not been reported in the literature in individuals affected with IFT43-related conditions. This variant is present in population databases (no rsID available, gnomAD 0.006%). This sequence change replaces histidine, which is basic and polar, with tyrosine, which is neutral and polar, at codon 170 of the IFT43 protein (p.His170Tyr).

NM_001102564.3(IFT43):c.493C>T (p.His165Tyr)

Gene: IFT43 (intraflagellar transport 43; plus strand). Cytogenetic location: 14q24.3.
Variant type: single nucleotide variant.
Coding change: c.493C>T on transcript NM_001102564.3 (MANE Select); coding-DNA position 493, C replaced by T.
Protein change: p.His165Tyr; replaces histidine 165 with tyrosine.
Molecular consequence: missense variant. On other transcripts: non-coding transcript variant (2).
Genome position (GRCh38, 1-based): chr14:76,083,275, C>T. VCF-style: chr14-76083275-C-T. GRCh37 (hg19) VCF-style: chr14-76549618-C-T.
Other names: c.508C>T, p.His170Tyr (NM_052873.3); short protein forms H165Y, H170Y.
Identifiers: ClinVar variation 1014485 (VCV001014485.9), dbSNP rs1482369679, ClinGen allele CA390474602.